The following is an entry in ClinVar:

NM_023083.4(CAPN10):c.1170G>A (p.Ala390=)

Gene: CAPN10 (calpain 10; plus strand). Cytogenetic location: 2q37.3.
Variant type: single nucleotide variant.
Coding change: c.1170G>A on transcript NM_023083.4 (MANE Select); coding-DNA position 1170, G replaced by A.
Protein change: p.Ala390=; no amino-acid change (alanine 390 retained).
Molecular consequence: synonymous variant.
Genome position (GRCh38, 1-based): chr2:240,595,196, G>A. VCF-style: chr2-240595196-G-A. GRCh37 (hg19) VCF-style: chr2-241534613-G-A.
Other names: c.1170G>A, p.Ala390= (NM_023085.4).
Identifiers: ClinVar variation 3043911 (VCV003043911.2), dbSNP rs41266977, ClinGen allele CA2205746.
Genomic context (GRCh38, chr2:240,595,196, plus strand): 5'-GGTCTCAGAACCGAGTGAGGTGTACATTGCCGTCCTGCAGAGATCCAGGCTGCACGCGGC[G>A]GACTGGGCAGGCCGGGCCCGGGCACTGGTGGGTGACAGTCATACTTCGTGGAGCCCAGCG-3'
Protein context (NP_075571.2, residues 380-400): AVLQRSRLHA[Ala390=]DWAGRARALV

ClinVar aggregate classification (germline): Likely benign (0 of 4 stars; one submission).

Conditions:
CAPN10-related disorder. Also called: CAPN10-related disorders; CAPN10-related condition.

Allele frequency attached by ClinVar (database versions not stated): TOPMed 0.00003; gnomAD exomes 0.00006; ExAC 0.00003; gnomAD 0.00003.
gnomAD v4.1: 97 of 1,613,648 alleles (0.006%); highest among the groups gnomAD compares: Middle Eastern, 0.016%; no homozygotes.

Submission:

PreventionGenetics, part of Exact Sciences
Classification: Likely benign for CAPN10-related condition. Last evaluated: 2019-06-06. Review status: no assertion criteria provided. Collection method: clinical testing. Allele origin: germline.
Comment: This variant is classified as likely benign based on ACMG/AMP sequence variant interpretation guidelines (Richards et al. 2015 PMID: 25741868, with internal and published modifications).